The following is an entry in ClinVar:

ClinVar aggregate classification (germline): Uncertain significance (1 of 4 stars; one submission).

Submission:

GeneDx
Classification: Uncertain significance. Last evaluated: 2024-01-22. Review status: criteria provided, single submitter. Criteria: GeneDx Variant Classification Process June 2021. Collection method: clinical testing. Allele origin: germline. Affected: yes.
Comment: Not observed at significant frequency in large population cohorts (gnomAD); In silico analysis supports that this missense variant has a deleterious effect on protein structure/function; Has not been previously published as pathogenic or benign to our knowledge

NM_005883.3(APC2):c.5138A>G (p.Glu1713Gly)

Gene: APC2 (APC regulator of WNT signaling pathway 2; plus strand). Cytogenetic location: 19p13.3.
Variant type: single nucleotide variant.
Coding change: c.5138A>G on transcript NM_005883.3 (MANE Select); coding-DNA position 5138, A replaced by G.
Protein change: p.Glu1713Gly; replaces glutamic acid 1713 with glycine.
Molecular consequence: missense variant.
Genome position (GRCh38, 1-based): chr19:1,468,439, A>G. VCF-style: chr19-1468439-A-G. GRCh37 (hg19) VCF-style: chr19-1468438-A-G.
Other names: c.5135A>G, p.Glu1712Gly (NM_001351273.1); short protein forms E1712G, E1713G.
Identifiers: ClinVar variation 3368125 (VCV003368125.1).